The following is an entry in ClinVar:

NM_201384.3(PLEC):c.1102_1104del (p.Lys368del)

Gene: PLEC (plectin; minus strand). Cytogenetic location: 8q24.3.
Variant type: Deletion.
Coding change: c.1102_1104del on transcript NM_201384.3 (MANE Select); coding-DNA positions 1102 to 1104, 3 bases deleted (AAG; older notation c.1102_1104delAAG).
Protein change: p.Lys368del; deletes lysine 368.
Molecular consequence: inframe deletion.
Genome position (GRCh38, 1-based): chr8:143,934,383-143,934,385, CTT deleted on the plus strand (AAG on the coding strand, the reverse complement: PLEC is on the minus strand); deleting any 3 consecutive bases within chr8:143,934,383-143,934,387 gives the same sequence; the c. name uses the placement nearest the transcript's 3' end. VCF-style (leftmost placement, unchanged base first): chr8-143934382-CCTT-C. GRCh37 (hg19) VCF-style: chr8-145008550-CCTT-C.
Other names: c.1183_1185del, p.Lys395del (NM_000445.5, NM_001410941.1); c.1060_1062del, p.Lys354del (NM_201378.4); c.1036_1038del, p.Lys346del (NM_201379.3); c.1513_1515del, p.Lys505del (NM_201380.4); c.1006_1008del, p.Lys336del (NM_201381.3); c.1102_1104del, p.Lys368del (NM_201382.4); c.1114_1116del, p.Lys372del (NM_201383.3); short protein forms K336del, K346del, K354del, K372del, K368del, K395del, K505del.
Identifiers: ClinVar variation 2927697 (VCV002927697.3), dbSNP rs782613887, ClinGen allele CA4928167.

ClinVar aggregate classification (germline): Uncertain significance (1 of 4 stars; one submission).

Conditions:
Epidermolysis bullosa simplex with nail dystrophy (EBS5D). Identifiers: MedGen C4225309, MONDO:0014661, OMIM 616487.
Epidermolysis bullosa simplex 5B, with muscular dystrophy (EBS5B). Also called: EPIDERMOLYSIS BULLOSA SIMPLEX AND LIMB-GIRDLE MUSCULAR DYSTROPHY; Epidermolysis bullosa simplex with muscular dystrophy. Identifiers: Orphanet 257, MedGen C2931072, MONDO:0009181, OMIM 226670.
Epidermolysis bullosa simplex 5C, with pyloric atresia (EBS5C). Also called: PLEC-Related Epidermolysis Bullosa with Pyloric Atresia; Epidermolysis bullosa simplex with pyloric atresia; PLEC1-Related Epidermolysis Bullosa with Pyloric Atresia. Identifiers: Orphanet 158684, MedGen C2677349, MONDO:0012807, OMIM 612138.
Autosomal recessive limb-girdle muscular dystrophy type 2Q (LGMDR17). Also called: MUSCULAR DYSTROPHY, LIMB-GIRDLE, AUTOSOMAL RECESSIVE 17. Identifiers: Orphanet 254361, MedGen C3150989, MONDO:0013390, OMIM 613723.
Epidermolysis bullosa simplex, Ogna type (EBS5A). Also called: Pidermolysis bullosa simplex 5A, Ogna type; EPIDERMOLYSIS BULLOSA SIMPLEX 5A, OGNA TYPE. Identifiers: Orphanet 79401, MedGen C0432317, MONDO:0007555, OMIM 131950.

Submission:

Labcorp Genetics (formerly Invitae), Labcorp
Classification: Uncertain significance for Autosomal recessive limb-girdle muscular dystrophy type 2Q; Epidermolysis bullosa simplex, Ogna type; Epidermolysis bullosa simplex with nail dystrophy; Epidermolysis bullosa simplex 5C, with pyloric atresia; Epidermolysis bullosa simplex 5B, with muscular dystrophy. Last evaluated: 2025-08-01. Review status: criteria provided, single submitter. Criteria: Invitae Variant Classification Sherloc (09022015). Collection method: clinical testing. Allele origin: germline.
Comment: This variant, c.1183_1185del, results in the deletion of 1 amino acid(s) of the PLEC protein (p.Lys395del), but otherwise preserves the integrity of the reading frame. This variant is present in population databases (rs782613887, gnomAD 0.005%). This variant has not been reported in the literature in individuals affected with PLEC-related conditions. ClinVar contains an entry for this variant (Variation ID: 2927697). Experimental studies and prediction algorithms are not available or were not evaluated, and the functional significance of this variant is currently unknown. In summary, the available evidence is currently insufficient to determine the role of this variant in disease. Therefore, it has been classified as a Variant of Uncertain Significance.